The following is an entry in ClinVar:

ClinVar aggregate classification (germline): Uncertain significance (0 of 4 stars; one submission).

Submission:

Richard Lifton Laboratory, Yale University School of Medicine
Classification: Uncertain significance. Review status: no assertion criteria provided. Collection method: not provided. Allele origin: somatic.
Comment: MYLPF
ClinVar note: Converted during submission from unknown to Uncertain significance.

NM_013292.5(MYL11):c.431C>A (p.Pro144His)

Genes: MYL11 (myosin light chain 11; plus strand), LOC112441444 (Sharpr-MPRA regulatory region 9884; plus strand). Cytogenetic location: 16p11.2.
Variant type: single nucleotide variant.
Coding change: c.431C>A on transcript NM_013292.5 (MANE Select); coding-DNA position 431, C replaced by A.
Protein change: p.Pro144His; replaces proline 144 with histidine.
Molecular consequence: missense variant.
Genome position (GRCh38, 1-based): chr16:30,377,821, C>A. VCF-style: chr16-30377821-C-A. GRCh37 (hg19) VCF-style: chr16-30389142-C-A.
Other names: c.431C>A, p.Pro144His (NM_001324458.2, NM_001324459.2); short protein forms P144H.
Identifiers: ClinVar variation 91978 (VCV000091978.2), dbSNP rs386352335, ClinGen allele CA232283.